The following is an entry in ClinVar:

ClinVar aggregate classification (germline): Pathogenic (1 of 4 stars; one submission).

Submission:

Labcorp Genetics (formerly Invitae), Labcorp
Classification: Pathogenic. Last evaluated: 2022-10-10. Review status: criteria provided, single submitter. Criteria: Invitae Variant Classification Sherloc (09022015). Collection method: clinical testing. Allele origin: germline.
Comment: This sequence change creates a premature translational stop signal (p.Leu695Trpfs*28) in the PDZD7 gene. It is expected to result in an absent or disrupted protein product. Loss-of-function variants in PDZD7 are known to be pathogenic (PMID: 20440071). For these reasons, this variant has been classified as Pathogenic. This variant has not been reported in the literature in individuals affected with PDZD7-related conditions. This variant is not present in population databases (gnomAD no frequency).

Literature cited by the submitters: PubMed 20440071.

NM_001195263.2(PDZD7):c.2082del (p.Leu695fs)

Gene: PDZD7 (PDZ domain containing 7; minus strand). Cytogenetic location: 10q24.31.
Variant type: Deletion.
Coding change: c.2082del on transcript NM_001195263.2 (MANE Select); coding-DNA position 2082, one base deleted (G; older notation c.2082delG).
Protein change: p.Leu695fs; shifts the reading frame from leucine 695.
Molecular consequence: frameshift variant.
Genome position (GRCh38, 1-based): chr10:101,010,807, C deleted on the plus strand (G on the coding strand, the reverse complement: PDZD7 is on the minus strand); the first of 2 consecutive C bases (chr10:101,010,807-101,010,808); deleting either gives the same sequence. VCF-style (leftmost placement, unchanged base first): chr10-101010806-GC-G. GRCh37 (hg19) VCF-style: chr10-102770563-GC-G.
Other names: short protein forms L695fs.
Identifiers: ClinVar variation 2034019 (VCV002034019.4), dbSNP rs2492784051, ClinGen allele CA2580081137.